The following is an entry in ClinVar:

ClinVar aggregate classification (germline): Uncertain significance. Review status: criteria provided, multiple submitters, no conflicts (2 of 4 stars). 2 submissions from 2 submitters: Uncertain significance (2). Last evaluated 2023-10-23.

Conditions:
Cardiovascular phenotype. Identifiers: MedGen CN230736.
RASopathy. Also called: Noonan spectrum disorder; rasopathies. Identifiers: Orphanet 536391, MedGen C5555857, MONDO:0021060.

Allele frequency attached by ClinVar (database versions not stated): TOPMed below 0.00001.

Submissions (2):

Labcorp Genetics (formerly Invitae), Labcorp
Classification: Uncertain significance for RASopathy. Last evaluated: 2023-10-23. Review status: criteria provided, single submitter. Criteria: Invitae Variant Classification Sherloc (09022015). Collection method: clinical testing. Allele origin: germline.
Comment: This sequence change replaces valine, which is neutral and non-polar, with leucine, which is neutral and non-polar, at codon 188 of the SHOC2 protein (p.Val188Leu). This variant is not present in population databases (gnomAD no frequency). This variant has not been reported in the literature in individuals affected with SHOC2-related conditions. ClinVar contains an entry for this variant (Variation ID: 1748749). Advanced modeling of protein sequence and biophysical properties (such as structural, functional, and spatial information, amino acid conservation, physicochemical variation, residue mobility, and thermodynamic stability) performed at Invitae indicates that this missense variant is not expected to disrupt SHOC2 protein function. In summary, the available evidence is currently insufficient to determine the role of this variant in disease. Therefore, it has been classified as a Variant of Uncertain Significance.

Ambry Genetics
Classification: Uncertain significance for Cardiovascular phenotype. Last evaluated: 2022-10-02. Review status: criteria provided, single submitter. Criteria: Ambry Variant Classification Scheme 2023. Collection method: clinical testing. Allele origin: germline.
Comment: The p.V188L variant (also known as c.562G>C), located in coding exon 1 of the SHOC2 gene, results from a G to C substitution at nucleotide position 562. The valine at codon 188 is replaced by leucine, an amino acid with highly similar properties. This amino acid position is conserved. In addition, the in silico prediction for this alteration is inconclusive. Since supporting evidence is limited at this time, the clinical significance of this alteration remains unclear.

NM_007373.4(SHOC2):c.562G>C (p.Val188Leu)

Gene: SHOC2 (SHOC2 leucine rich repeat scaffold protein; plus strand). Cytogenetic location: 10q25.2.
Variant type: single nucleotide variant.
Coding change: c.562G>C on transcript NM_007373.4 (MANE Select); coding-DNA position 562, G replaced by C.
Protein change: p.Val188Leu; replaces valine 188 with leucine.
Molecular consequence: missense variant.
Genome position (GRCh38, 1-based): chr10:110,964,920, G>C. VCF-style: chr10-110964920-G-C. GRCh37 (hg19) VCF-style: chr10-112724678-G-C.
Other names: c.562G>C, p.Val188Leu (NM_001269039.3, NM_001324336.2, NM_001324337.2); short protein forms V188L.
Identifiers: ClinVar variation 1748749 (VCV001748749.5), dbSNP rs1847644037, ClinGen allele CA378386044.